The following is an entry in ClinVar:

ClinVar aggregate classification (germline): Uncertain significance. Review status: criteria provided, multiple submitters, no conflicts (2 of 4 stars). 2 submissions from 2 submitters: Uncertain significance (2). Last evaluated 2025-07-27.

Conditions:
Gorlin syndrome. Also called: Nevoid Basal Cell Carcinoma Syndrome; Basal cell nevus syndrome. Identifiers: Orphanet 377, MedGen C0004779, MONDO:0007187.
Hereditary cancer-predisposing syndrome. Also called: Hereditary neoplastic syndrome; Neoplastic Syndromes, Hereditary; Tumor predisposition; Hereditary Cancer Syndrome. Identifiers: Orphanet 140162, MedGen C0027672, MeSH D009386, MONDO:0015356.

Submissions (2):

Labcorp Genetics (formerly Invitae), Labcorp
Classification: Uncertain significance for Gorlin syndrome. Last evaluated: 2025-07-27. Review status: criteria provided, single submitter. Criteria: Invitae Variant Classification Sherloc (09022015). Collection method: clinical testing. Allele origin: germline.
Comment: This sequence change replaces serine, which is neutral and polar, with glycine, which is neutral and non-polar, at codon 646 of the PTCH1 protein (p.Ser646Gly). This variant is not present in population databases (gnomAD no frequency). This variant has not been reported in the literature in individuals affected with PTCH1-related conditions. ClinVar contains an entry for this variant (Variation ID: 1041244). Invitae Evidence Modeling of protein sequence and biophysical properties (such as structural, functional, and spatial information, amino acid conservation, physicochemical variation, residue mobility, and thermodynamic stability) indicates that this missense variant is not expected to disrupt PTCH1 protein function with a negative predictive value of 95%. In summary, the available evidence is currently insufficient to determine the role of this variant in disease. Therefore, it has been classified as a Variant of Uncertain Significance.

Ambry Genetics
Classification: Uncertain significance for Hereditary cancer-predisposing syndrome. Last evaluated: 2024-06-07. Review status: criteria provided, single submitter. Criteria: Ambry Variant Classification Scheme 2023. Collection method: clinical testing. Allele origin: germline.
Comment: The p.S646G variant (also known as c.1936A>G), located in coding exon 14 of the PTCH1 gene, results from an A to G substitution at nucleotide position 1936. The serine at codon 646 is replaced by glycine, an amino acid with similar properties. This amino acid position is well conserved in available vertebrate species. In addition, the in silico prediction for this alteration is inconclusive. Based on the available evidence, the clinical significance of this variant remains unclear.

NM_000264.5(PTCH1):c.1936A>G (p.Ser646Gly)

Genes: PTCH1 (patched 1; minus strand), LOC100507346 (uncharacterized LOC100507346; plus strand). Cytogenetic location: 9q22.32.
Variant type: single nucleotide variant.
Coding change: c.1936A>G on transcript NM_000264.5 (MANE Select); coding-DNA position 1936, A replaced by G.
Protein change: p.Ser646Gly; replaces serine 646 with glycine.
Molecular consequence: missense variant. On other transcripts: non-coding transcript variant (2).
Genome position (GRCh38, 1-based): chr9:95,469,065, T>C on the plus strand (A>G on the coding strand, the complement: PTCH1 is on the minus strand). VCF-style: chr9-95469065-T-C. GRCh37 (hg19) VCF-style: chr9-98231347-T-C.
Other names: c.1936A>G (NM_000264.3); c.1738A>G, p.Ser580Gly (NM_001083602.3); c.1933A>G, p.Ser645Gly (NM_001083603.3); c.1483A>G, p.Ser495Gly (NM_001083604.3, NM_001083605.3, NM_001083606.3 and 1 more transcripts); c.1780A>G, p.Ser594Gly (NM_001354918.2); short protein forms S594G, S495G, S580G, S645G, S646G.
Identifiers: ClinVar variation 1041244 (VCV001041244.8), dbSNP rs1588575341, ClinGen allele CA374116012.
Genomic context (GRCh38, chr9:95,469,065, plus strand): 5'-TGCGGAGCTGGACAGTGGACTGCATGGTAATCTGCGTTTCATGGGCAAAGCTGTGGCTGC[T>C]GTAGGGAGGTGGGGGGCTGTAGCGGGTATTGTCGTGTGTGTCGGTGTAGGCCTGAGGTTC-3'
Protein context (NP_000255.2, residues 636-656): NTRYSPPPPY[Ser646Gly]SHSFAHETQI